The following is an entry in ClinVar:

ClinVar aggregate classification (germline): Uncertain significance. Review status: criteria provided, multiple submitters, no conflicts (2 of 4 stars). 3 submissions from 3 submitters: Uncertain significance (2). 1 of the submissions does not count toward it. Last evaluated 2021-02-17.

Conditions:
Rotor syndrome (HBLRR). Also called: HYPERBILIRUBINEMIA, ROTOR TYPE, DIGENIC; HYPERBILIRUBINEMIA, ROTOR TYPE. Identifiers: Orphanet 3111, MedGen C0220991, MONDO:0009379, OMIM 237450.
SLCO1B3-related disorder. Also called: SLCO1B3-related condition.

Allele frequency attached by ClinVar (database versions not stated): ExAC 0.00048; gnomAD 0.00048 and 0.00050; TOPMed 0.00054; gnomAD exomes 0.00061 and 0.00065; ESP Exome Variant Server 0.00069.
gnomAD v4.1: 992 of 1,609,592 alleles (0.062%); highest among the groups gnomAD compares: Non-Finnish European, 0.056%; 2 homozygotes.

Submissions (3):

ARUP Laboratories, Molecular Genetics and Genomics, ARUP Laboratories
Classification: Uncertain significance for Rotor syndrome. Last evaluated: 2021-02-17. Review status: criteria provided, single submitter. Criteria: ARUP Molecular Germline Variant Investigation Process 2021. Collection method: clinical testing. Allele origin: germline.

Illumina Laboratory Services, Illumina
Classification: Uncertain significance for Rotor syndrome. Last evaluated: 2018-01-13. Review status: criteria provided, single submitter. Criteria: ICSL Variant Classification Criteria 13 December 2019. Collection method: clinical testing. Allele origin: germline.

PreventionGenetics, part of Exact Sciences
Classification: Likely benign for SLCO1B3-related condition. Last evaluated: 2022-03-16. Review status: no assertion criteria provided. Collection method: clinical testing. Allele origin: germline. Not counted in ClinVar's aggregate classification.
Comment: This variant is classified as likely benign based on ACMG/AMP sequence variant interpretation guidelines (Richards et al. 2015 PMID: 25741868, with internal and published modifications).

NM_019844.4(SLCO1B3):c.1366C>T (p.Leu456Phe)

Genes: SLCO1B3 (solute carrier organic anion transporter family member 1B3; plus strand), SLCO1B3-SLCO1B7 (SLCO1B3-SLCO1B7 readthrough; plus strand). Cytogenetic location: 12p12.2.
Variant type: single nucleotide variant.
Coding change: c.1366C>T on transcript NM_019844.4 (MANE Select); coding-DNA position 1366, C replaced by T.
Protein change: p.Leu456Phe; replaces leucine 456 with phenylalanine.
Molecular consequence: missense variant.
Genome position (GRCh38, 1-based): chr12:20,880,889, C>T. VCF-style: chr12-20880889-C-T. GRCh37 (hg19) VCF-style: chr12-21033823-C-T.
Other names: c.1282C>T, p.Leu428Phe (NM_001349920.2); short protein forms L456F, L428F.
Identifiers: ClinVar variation 307905 (VCV000307905.14), dbSNP rs61736817, ClinGen allele CA6475549.